The following is an entry in ClinVar:

NM_020778.5(ALPK3):c.3841C>T (p.Arg1281Trp)

Gene: ALPK3 (alpha kinase 3; plus strand). Cytogenetic location: 15q25.3.
Variant type: single nucleotide variant.
Coding change: c.3841C>T on transcript NM_020778.5 (MANE Select); coding-DNA position 3841, C replaced by T.
Protein change: p.Arg1281Trp; replaces arginine 1281 with tryptophan.
Molecular consequence: missense variant.
Genome position (GRCh38, 1-based): chr15:84,859,266, C>T. VCF-style: chr15-84859266-C-T. GRCh37 (hg19) VCF-style: chr15-85402497-C-T.
Other names: short protein forms R1281W.
Identifiers: ClinVar variation 1499154 (VCV001499154.11), dbSNP rs370816513, ClinGen allele CA7709748.

ClinVar aggregate classification (germline): Uncertain significance. Review status: criteria provided, multiple submitters, no conflicts (2 of 4 stars). 5 submissions from 5 submitters: Uncertain significance (4). 1 of the submissions does not count toward it. Last evaluated 2025-03-10.

Conditions:
Hypertrophic cardiomyopathy. Also called: HYPERTROPHIC MYOCARDIOPATHY. Identifiers: Orphanet 217569, MedGen C0007194, MeSH D002312, MONDO:0005045, HP:0001639.
Cardiovascular phenotype. Identifiers: MedGen CN230736.
Cardiomyopathy, familial hypertrophic 27. Identifiers: MedGen C4748014, MONDO:0054838, OMIM 618052.

Allele frequency attached by ClinVar (database versions not stated): gnomAD 0.00001; gnomAD exomes 0.00002 and 0.00003; TOPMed 0.00003; ExAC 0.00004; ESP Exome Variant Server 0.00008.
gnomAD v4.1: 36 of 1,614,010 alleles (0.0022%); highest among the groups gnomAD compares: African/African-American, 0.0027%; no homozygotes.

Submissions (5):

Labcorp Genetics (formerly Invitae), Labcorp
Classification: Uncertain significance. Last evaluated: 2025-03-10. Review status: criteria provided, single submitter. Criteria: Invitae Variant Classification Sherloc (09022015). Collection method: clinical testing. Allele origin: germline.
Comment: This sequence change replaces arginine, which is basic and polar, with tryptophan, which is neutral and slightly polar, at codon 1483 of the ALPK3 protein (p.Arg1483Trp). This variant is present in population databases (rs370816513, gnomAD 0.006%). This variant has not been reported in the literature in individuals affected with ALPK3-related conditions. ClinVar contains an entry for this variant (Variation ID: 1499154). Invitae Evidence Modeling of protein sequence and biophysical properties (such as structural, functional, and spatial information, amino acid conservation, physicochemical variation, residue mobility, and thermodynamic stability) indicates that this missense variant is expected to disrupt ALPK3 protein function with a positive predictive value of 80%. In summary, the available evidence is currently insufficient to determine the role of this variant in disease. Therefore, it has been classified as a Variant of Uncertain Significance.

Blueprint Genetics
Classification: Uncertain significance. Last evaluated: 2024-11-21. Review status: criteria provided, single submitter. Criteria: ACMG Guidelines, 2015. Collection method: clinical testing. Allele origin: germline.

Clinical Genomics Laboratory, Stanford Medicine
Classification: Uncertain significance for Cardiomyopathy, familial hypertrophic 27. Last evaluated: 2022-12-28. Review status: criteria provided, single submitter. Criteria: ACMG Guidelines, 2015. Collection method: clinical testing. Allele origin: germline. Observed: 1 variant allele, 1 heterozygote.
Comment: The p.Arg1281Trp variant in the ALPK3 gene has not been previously reported in association with disease. This variant has been identified in 7/113,736 European (non-Finnish) chromosomes by the Genome Aggregation Database. This variant is present in ClinVar (VCV001499154.8). Computational tools predict that this variant is neither deleterious nor benign; however, the accuracy of in silico algorithms is limited. These data were assessed using the ACMG/AMP variant interpretation guidelines. In summary, the significance of the p.Arg1281Trp variant is uncertain. Additional information is needed to resolve the significance of this variant. [ACMG evidence codes used: PM2]

Ambry Genetics
Classification: Uncertain significance for Cardiovascular phenotype. Last evaluated: 2021-09-21. Review status: criteria provided, single submitter. Criteria: Ambry Variant Classification Scheme 2023. Collection method: clinical testing. Allele origin: germline.
Comment: The p.R1483W variant (also known as c.4447C>T), located in coding exon 7 of the ALPK3 gene, results from a C to T substitution at nucleotide position 4447. The arginine at codon 1483 is replaced by tryptophan, an amino acid with dissimilar properties. This alteration has been reported in a dilated cardiomyopathy (DCM) cohort (Verdonschot JAJ et al. Mol Genet Genomic Med, 2020 02;8:e1049). This amino acid position is well conserved in available vertebrate species. In addition, this alteration is predicted to be tolerated by in silico analysis. Since supporting evidence is limited at this time, the clinical significance of this alteration remains unclear.

Zaffran Lab, Genetics of Cardiac Diseases Laboratory, Marseille Medical Genetics
Classification: Uncertain significance for hypertrophic cardiomyopathy. Review status: no assertion criteria provided. Collection method: research. Allele origin: unknown. Affected: yes. Not counted in ClinVar's aggregate classification.

Literature cited by the submitters: PubMed 31880413 (cited by Ambry Genetics).